The following is an entry in ClinVar:

NM_052874.5(STX1B):c.35A>G (p.Lys12Arg)

Gene: STX1B (syntaxin 1B; minus strand). Cytogenetic location: 16p11.2.
Variant type: single nucleotide variant.
Coding change: c.35A>G on transcript NM_052874.5 (MANE Select); coding-DNA position 35, A replaced by G.
Protein change: p.Lys12Arg; replaces lysine 12 with arginine.
Molecular consequence: missense variant.
Genome position (GRCh38, 1-based): chr16:31,001,599, T>C on the plus strand (A>G on the coding strand, the complement: STX1B is on the minus strand). VCF-style: chr16-31001599-T-C. GRCh37 (hg19) VCF-style: chr16-31012920-T-C.
Other names: c.35A>G (NM_052874.3); short protein forms K12R.
Identifiers: ClinVar variation 1005100 (VCV001005100.9), dbSNP rs2056630459, ClinGen allele CA395652190.

ClinVar aggregate classification (germline): Uncertain significance. Review status: criteria provided, multiple submitters, no conflicts (2 of 4 stars). 2 submissions from 2 submitters: Uncertain significance (2). Last evaluated 2025-01-14.

Conditions:
Generalized epilepsy with febrile seizures plus, type 9 (GEFSP9). Also called: GEFS+, TYPE 9. Identifiers: Orphanet 36387, MedGen C4015395, MONDO:0014517, OMIM 616172.

Submissions (2):

GeneDx
Classification: Uncertain significance. Last evaluated: 2025-01-14. Review status: criteria provided, single submitter. Criteria: GeneDx Variant Classification Process June 2021. Collection method: clinical testing. Allele origin: germline. Affected: yes.
Comment: Not observed at significant frequency in large population cohorts (gnomAD); In silico analysis indicates that this missense variant does not alter protein structure/function; Has not been previously published as pathogenic or benign to our knowledge

Labcorp Genetics (formerly Invitae), Labcorp
Classification: Uncertain significance for Generalized epilepsy with febrile seizures plus, type 9. Last evaluated: 2020-07-30. Review status: criteria provided, single submitter. Criteria: Invitae Variant Classification Sherloc (09022015). Collection method: clinical testing. Allele origin: germline.
Comment: This variant is not present in population databases (ExAC no frequency). In summary, the available evidence is currently insufficient to determine the role of this variant in disease. Therefore, it has been classified as a Variant of Uncertain Significance. Algorithms developed to predict the effect of missense changes on protein structure and function (SIFT, PolyPhen-2, Align-GVGD) all suggest that this variant is likely to be tolerated, but these predictions have not been confirmed by published functional studies and their clinical significance is uncertain. This variant has not been reported in the literature in individuals with STX1B-related conditions. This sequence change replaces lysine with arginine at codon 12 of the STX1B protein (p.Lys12Arg). The lysine residue is moderately conserved and there is a small physicochemical difference between lysine and arginine.